The following is an entry in ClinVar:

ClinVar aggregate classification (germline): Benign/Likely benign. Review status: criteria provided, multiple submitters, no conflicts (2 of 4 stars). 13 submissions from 12 submitters: Benign (3); Likely benign (8). 2 of the submissions do not count toward it. Last evaluated 2026-09-01.

Conditions:
Kidney disorder. Also called: renal disorder; renal disease; Nephropathy; Kidney disease; Kidney Diseases. Identifiers: MedGen C0022658, MONDO:0005240, HP:0000112.
MYH9-related disorder. Identifiers: MedGen C1854520.
Autosomal dominant nonsyndromic hearing loss 17. Also called: Deafness, autosomal dominant 17; Autosomal dominant nonsyndromic deafness 17. Identifiers: Orphanet 90635, MedGen C1863659, MONDO:0011350, OMIM 603622.

Allele frequency attached by ClinVar (database versions not stated): 1000 Genomes Project 0.00020; 1000 Genomes Project 30x 0.00062; ESP Exome Variant Server 0.00092; gnomAD 0.00112 and 0.00116; ExAC 0.00125; TOPMed 0.00125; gnomAD exomes 0.00131 and 0.00176.
gnomAD v4.1: 2,749 of 1,613,602 alleles (0.17%); highest among the groups gnomAD compares: South Asian, 0.34%; 4 homozygotes.

Submissions (13):

CeGaT Center for Human Genetics Tuebingen
Classification: Likely benign. Last evaluated: 2026-09-01. Review status: criteria provided, single submitter. Criteria: CeGaT Center For Human Genetics Tuebingen Variant Classification Criteria Version 2. Collection method: clinical testing. Allele origin: germline. Affected: yes. Observed: 7 variant alleles.
Comment: MYH9: BP4, BP7, BS1

Labcorp Genetics (formerly Invitae), Labcorp
Classification: Benign. Last evaluated: 2026-02-01. Review status: criteria provided, single submitter. Criteria: Invitae Variant Classification Sherloc (09022015). Collection method: clinical testing. Allele origin: germline.

Blueprint Genetics
Classification: Likely benign. Last evaluated: 2024-11-28. Review status: criteria provided, single submitter. Criteria: ACMG Guidelines, 2015. Collection method: clinical testing. Allele origin: germline.

Mayo Clinic Laboratories, Mayo Clinic
Classification: Likely benign. Last evaluated: 2024-03-19. Review status: criteria provided, single submitter. Criteria: ACMG Guidelines, 2015. Collection method: clinical testing. Allele origin: germline. Observed: 3 variant alleles.
Comment: BS1_supporting, BP4, BP7

GeneDx
Classification: Likely benign. Last evaluated: 2020-11-05. Review status: criteria provided, single submitter. Criteria: GeneDx Variant Classification Process June 2021. Collection method: clinical testing. Allele origin: germline. Affected: yes.

Genome Diagnostics Laboratory, The Hospital for Sick Children
Classification: Likely benign for Kidney disorder. Last evaluated: 2020-03-01. Review status: criteria provided, single submitter. Criteria: ACMG Guidelines, 2015. Collection method: clinical testing. Allele origin: germline.

Illumina Laboratory Services, Illumina
Classification: Benign for MYH9-related disorder. Last evaluated: 2018-01-12. Review status: criteria provided, single submitter. Criteria: ICSL Variant Classification Criteria 13 December 2019. Collection method: clinical testing. Allele origin: germline.
Comment: This variant was observed in the ICSL laboratory as part of a predisposition screen in an ostensibly healthy population. It had not been previously curated by ICSL or reported in the Human Gene Mutation Database (HGMD: prior to June 1st, 2018), and was therefore a candidate for classification through an automated scoring system. Utilizing variant allele frequency, disease prevalence and penetrance estimates, and inheritance mode, an automated score was calculated to assess if this variant is too frequent to cause the disease. Based on the score and internal cut-off values, a variant classified as benign is not then subjected to further curation. The score for this variant resulted in a classification of benign for this disease.

Illumina Laboratory Services, Illumina
Classification: Likely benign for Autosomal dominant nonsyndromic hearing loss 17. Last evaluated: 2018-01-12. Review status: criteria provided, single submitter. Criteria: ICSL Variant Classification Criteria 13 December 2019. Collection method: clinical testing. Allele origin: germline.
Comment: This variant was observed in the ICSL laboratory as part of a predisposition screen in an ostensibly healthy population. It had not been previously curated by ICSL or reported in the Human Gene Mutation Database (HGMD: prior to June 1st, 2018), and was therefore a candidate for classification through an automated scoring system. Utilizing variant allele frequency, disease prevalence and penetrance estimates, and inheritance mode, an automated score was calculated to assess if this variant is too frequent to cause the disease. Based on the score and internal cut-off values, a variant classified as likely benign is not then subjected to further curation. The score for this variant resulted in a classification of likely benign for this disease.

Laboratory for Molecular Medicine, Mass General Brigham Personalized Medicine
Classification: Benign. Last evaluated: 2015-05-14. Review status: criteria provided, single submitter. Criteria: LMM Criteria. Collection method: clinical testing. Allele origin: germline. Observed: 2 variant alleles.
Comment: Cys816Cys in Exon 20 of MYH9: This variant is not expected to have clinical sign ificance because it does not alter an amino acid residue, is not located within the splice consensus sequence, and has been identified in 0.3% (50/16508) of Sou th Asian chromosomes by the Exome Aggregation Consortium (ExAC; dbSNP rs113285582).

Breakthrough Genomics
Classification: Likely benign. Review status: criteria provided, single submitter. Criteria: ACMG Guidelines, 2015. Collection method: not provided. Allele origin: germline. Inheritance: Autosomal dominant inheritance. Affected: yes.

PreventionGenetics, part of Exact Sciences
Classification: Likely benign. Review status: criteria provided, single submitter. Criteria: ACMG Guidelines, 2015. Collection method: clinical testing. Allele origin: germline.

Clinical Genetics DNA and cytogenetics Diagnostics Lab, Erasmus MC, Erasmus Medical Center
Classification: Likely benign. Review status: no assertion criteria provided. Collection method: clinical testing. Allele origin: germline. Affected: yes. Study: VKGL Data-share Consensus. Not counted in ClinVar's aggregate classification.

Genome Diagnostics Laboratory, University Medical Center Utrecht
Classification: Likely benign. Review status: no assertion criteria provided. Collection method: clinical testing. Allele origin: germline. Affected: yes. Study: VKGL Data-share Consensus. Not counted in ClinVar's aggregate classification.

NM_002473.6(MYH9):c.2448C>T (p.Cys816=)

Gene: MYH9 (myosin heavy chain 9; minus strand). Cytogenetic location: 22q12.3.
Variant type: single nucleotide variant.
Coding change: c.2448C>T on transcript NM_002473.6 (MANE Select); coding-DNA position 2448, C replaced by T.
Protein change: p.Cys816=; no amino-acid change (cysteine 816 retained).
Molecular consequence: synonymous variant.
Genome position (GRCh38, 1-based): chr22:36,302,619, G>A on the plus strand (C>T on the coding strand, the complement: MYH9 is on the minus strand). VCF-style: chr22-36302619-G-A. GRCh37 (hg19) VCF-style: chr22-36698665-G-A.
Other names: p.Cys816=.
Identifiers: ClinVar variation 164452 (VCV000164452.46), dbSNP rs113285582, ClinGen allele CA177127.